The following is an entry in ClinVar:

ClinVar aggregate classification (germline): Uncertain significance (1 of 4 stars; one submission).

Submission:

GeneDx
Classification: Uncertain significance. Last evaluated: 2022-07-18. Review status: criteria provided, single submitter. Criteria: GeneDx Variant Classification Process June 2021. Collection method: clinical testing. Allele origin: germline. Affected: yes.
Comment: Not observed at significant frequency in large population cohorts (gnomAD); In silico analysis supports that this missense variant has a deleterious effect on protein structure/function; Has not been previously published as pathogenic or benign to our knowledge

NM_015355.4(SUZ12):c.1350C>G (p.Cys450Trp)

Gene: SUZ12 (SUZ12 polycomb repressive complex 2 subunit; plus strand). Cytogenetic location: 17q11.2.
Variant type: single nucleotide variant.
Coding change: c.1350C>G on transcript NM_015355.4 (MANE Select); coding-DNA position 1350, C replaced by G.
Protein change: p.Cys450Trp; replaces cysteine 450 with tryptophan.
Molecular consequence: missense variant.
Genome position (GRCh38, 1-based): chr17:31,993,921, C>G. VCF-style: chr17-31993921-C-G. GRCh37 (hg19) VCF-style: chr17-30320940-C-G.
Other names: c.1281C>G, p.Cys427Trp (NM_001321207.2); short protein forms C427W, C450W.
Identifiers: ClinVar variation 2136121 (VCV002136121.1), dbSNP rs1489979517, ClinGen allele CA399031687.